The following is an entry in ClinVar:

ClinVar aggregate classification (germline): Pathogenic. Review status: criteria provided, multiple submitters, no conflicts (2 of 4 stars). 2 submissions from 2 submitters: Pathogenic (2). Last evaluated 2025-12-16.

Conditions:
Duchenne muscular dystrophy (DMD). Also called: Duchenne Muscular Dystrophy (DMD); MUSCULAR DYSTROPHY, PSEUDOHYPERTROPHIC PROGRESSIVE, DUCHENNE TYPE. Identifiers: Orphanet 98896, MedGen C0013264, MONDO:0010679, OMIM 310200.

Submissions (2):

Labcorp Genetics (formerly Invitae), Labcorp
Classification: Pathogenic for Duchenne muscular dystrophy. Last evaluated: 2025-12-16. Review status: criteria provided, single submitter. Criteria: Invitae Variant Classification Sherloc (09022015). Collection method: clinical testing. Allele origin: germline.
Comment: This sequence change affects a donor splice site in intron 3 of the DMD gene. It is expected to disrupt RNA splicing. Variants that disrupt the donor or acceptor splice site typically lead to a loss of protein function (PMID: 16199547), and loss-of-function variants in DMD are known to be pathogenic (PMID: 16770791, 25007885). This variant is not present in population databases (gnomAD no frequency). Disruption of this splice site has been observed in individuals with Duchenne muscular dystrophy and Becker muscular dystrophy (PMID: 16770791, 19367636, 19937601). ClinVar contains an entry for this variant (Variation ID: 288177). Algorithms developed to predict the effect of sequence changes on RNA splicing suggest that this variant may disrupt the consensus splice site. For these reasons, this variant has been classified as Pathogenic.

Eurofins Ntd Llc (ga)
Classification: Pathogenic. Last evaluated: 2016-06-14. Review status: criteria provided, single submitter. Criteria: EGL Classification Definitions 2015. Collection method: clinical testing. Allele origin: germline. Observed: 2 variant alleles, 2 hemizygotes.

Literature cited by the submitters: PubMed 16199547 (cited by Labcorp Genetics (formerly Invitae), Labcorp); PubMed 16770791 (cited by Labcorp Genetics (formerly Invitae), Labcorp); PubMed 25007885 (cited by Labcorp Genetics (formerly Invitae), Labcorp); PubMed 19367636 (cited by Labcorp Genetics (formerly Invitae), Labcorp); PubMed 19937601 (cited by Labcorp Genetics (formerly Invitae), Labcorp).

NM_004006.3(DMD):c.186+2T>A

Gene: DMD (dystrophin; minus strand). Cytogenetic location: Xp21.1.
Variant type: single nucleotide variant.
Coding change: c.186+2T>A on transcript NM_004006.3 (MANE Select); the canonical splice donor site of the intron after coding-DNA position 186, T replaced by A.
Molecular consequence: splice donor variant.
Genome position (GRCh38, 1-based): chrX:32,849,726, A>T on the plus strand (T>A on the coding strand, the complement: DMD is on the minus strand). VCF-style: chrX-32849726-A-T. GRCh37 (hg19) VCF-style: chrX-32867843-A-T.
Other names: c.162+2T>A (NM_000109.4); c.174+2T>A (NM_004009.3); c.-184+2T>A (NM_004010.3).
Identifiers: ClinVar variation 288177 (VCV000288177.7), dbSNP rs886043822, ClinGen allele CA10605993.